The following is an entry in ClinVar:

ClinVar aggregate classification (germline): Uncertain significance. Review status: criteria provided, multiple submitters, no conflicts (2 of 4 stars). 2 submissions from 2 submitters: Uncertain significance (2). Last evaluated 2026-07-20.

Conditions:
ABCC2-related disorder. Also called: ABCC2-related condition.

Allele frequency attached by ClinVar (database versions not stated): TOPMed 0.00005; gnomAD 0.00007; ExAC 0.00008; ESP Exome Variant Server 0.00008.
gnomAD v4.1: 217 of 1,614,100 alleles (0.013%); highest among the groups gnomAD compares: Non-Finnish European, 0.018%; no homozygotes.

Submissions (2):

PreventionGenetics, part of Exact Sciences
Classification: Uncertain significance for ABCC2-related condition. Last evaluated: 2026-07-20. Review status: criteria provided, single submitter. Criteria: ACMG Guidelines, 2015. Collection method: clinical testing. Allele origin: germline.
Comment: The ABCC2 c.3796A>G variant is predicted to result in the amino acid substitution p.Ile1266Val. To our knowledge, this variant has not been reported in the literature. This variant is reported in 0.018% of alleles in individuals of European (Non-Finnish) descent in gnomAD. At this time, the clinical significance of this variant is uncertain due to the absence of conclusive functional and genetic evidence.

Eurofins Ntd Llc (ga)
Classification: Uncertain significance. Last evaluated: 2018-07-17. Review status: criteria provided, single submitter. Criteria: EGL ClinVar v180209 classification definitions. Collection method: clinical testing. Allele origin: germline. Observed: 1 variant allele, 1 heterozygote.

NM_000392.5(ABCC2):c.3796A>G (p.Ile1266Val)

Gene: ABCC2 (ATP binding cassette subfamily C member 2; plus strand). Cytogenetic location: 10q24.2.
Variant type: single nucleotide variant.
Coding change: c.3796A>G on transcript NM_000392.5 (MANE Select); coding-DNA position 3796, A replaced by G.
Protein change: p.Ile1266Val; replaces isoleucine 1266 with valine.
Molecular consequence: missense variant.
Genome position (GRCh38, 1-based): chr10:99,843,853, A>G. VCF-style: chr10-99843853-A-G. GRCh37 (hg19) VCF-style: chr10-101603610-A-G.
Other names: c.3796A>G, p.Ile1266Val (LRG_1208t1); c.3796A>G (NM_000392.4); short protein forms I1266V.
Identifiers: ClinVar variation 598047 (VCV000598047.6), dbSNP rs148292402, ClinGen allele CA5643948.